The following is an entry in ClinVar:

NM_022436.3(ABCG5):c.1512del (p.Ala505fs)

Genes: ABCG5 (ATP binding cassette subfamily G member 5; minus strand), DYNC2LI1 (dynein cytoplasmic 2 light intermediate chain 1; plus strand). Cytogenetic location: 2p21.
Variant type: Deletion.
Coding change: c.1512del on transcript NM_022436.3 (MANE Select); coding-DNA position 1512, one base deleted (T; older notation c.1512delT).
Protein change: p.Ala505fs; shifts the reading frame from alanine 505.
Molecular consequence: frameshift variant. On other transcripts: intron variant (2).
Genome position (GRCh38, 1-based): chr2:43,820,052, A deleted on the plus strand (T on the coding strand, the reverse complement: ABCG5 is on the minus strand). VCF-style (leftmost placement, unchanged base first): chr2-43820051-CA-C. GRCh37 (hg19) VCF-style: chr2-44047190-CA-C.
Other names: c.*16-7334del (NM_001348913.2, NM_001348912.2); short protein forms A505fs.
Identifiers: ClinVar variation 5019995 (VCV005019995.1).
Genomic context (GRCh38, chr2:43,820,051, plus strand): 5'-GGACGATACCAAGTAGCACAAGAGTTAGAAATTCACCAATTAAGTGGGGGGCCAAGAGAG[CA>C]GCAGAAAAATATCCAAATCGGGCAACCTCAGGATGTAAGCCCAGCGTCCTAGAAAAGCAT-3'

ClinVar aggregate classification (germline): Pathogenic (1 of 4 stars; one submission).

Conditions:
Sitosterolemia 2. Identifiers: MedGen C5231453, MONDO:0020748, OMIM 618666.

Submission:

Juno Genomics, Hangzhou Juno Genomics, Inc
Classification: Pathogenic for Sitosterolemia 2. Review status: criteria provided, single submitter. Criteria: ACMG Guidelines, 2015. Collection method: clinical testing. Allele origin: germline. Affected: yes.
Comment: Absent from controls (or at extremely low frequency if recessive) in Genome Aggregation Database.;Null variant in a gene where loss of function (LOF) is a known mechanism of disease.;For recessive disorders, detected in trans with a pathogenic variant.